The following is an entry in ClinVar:

NM_021870.3(FGG):c.140C>T (p.Thr47Ile)

Gene: FGG (fibrinogen gamma chain; minus strand). Cytogenetic location: 4q32.1.
Variant type: single nucleotide variant.
Coding change: c.140C>T on transcript NM_021870.3 (MANE Select); coding-DNA position 140, C replaced by T.
Protein change: p.Thr47Ile; replaces threonine 47 with isoleucine.
Molecular consequence: missense variant.
Genome position (GRCh38, 1-based): chr4:154,612,185, G>A on the plus strand (C>T on the coding strand, the complement: FGG is on the minus strand). VCF-style: chr4-154612185-G-A. GRCh37 (hg19) VCF-style: chr4-155533337-G-A.
Other names: c.140C>T, p.Thr47Ile (NM_000509.6); c.140C>T (NM_000509.5); short protein forms T47I.
Identifiers: ClinVar variation 627235 (VCV000627235.40), dbSNP rs138511699, ClinGen allele CA3115719.
Genomic context (GRCh38, chr4:154,612,185, plus strand): 5'-TGTAGATCCTTGTCTACTTTGGTTTGATAAGTAGACAGGAAATCTGCAATGCCACAGGTA[G>A]TTGGACAATAACTACCCTGAAAATATAACAGTGATTAAAAATGTAGACAGATGCTACTCT-3'
Protein context (NP_068656.2, residues 37-57): LDERFGSYCP[Thr47Ile]TCGIADFLST

ClinVar aggregate classification (germline): Conflicting classifications of pathogenicity. Review status: criteria provided, conflicting classifications (1 of 4 stars). 8 submissions from 8 submitters: Likely pathogenic (2); Uncertain significance (5); Likely benign (1). Last evaluated 2025-09-03.

Conditions:
FGG-related disorder. Also called: FGG-related condition.
Congenital afibrinogenemia. Identifiers: Orphanet 335, Orphanet 98880, MedGen C2584774, MONDO:0008737, OMIM 202400.
Abnormal bleeding. Also called: Bleeding diathesis. Identifiers: MedGen C1458140, HP:0001892.

Allele frequency attached by ClinVar (database versions not stated): 1000 Genomes Project 0.00020; 1000 Genomes Project 30x 0.00031; gnomAD 0.00048 and 0.00050; TOPMed 0.00053; ESP Exome Variant Server 0.00054; ExAC 0.00056.

Submissions (8):

Labcorp Genetics (formerly Invitae), Labcorp
Classification: Uncertain significance. Last evaluated: 2025-09-03. Review status: criteria provided, single submitter. Criteria: Invitae Variant Classification Sherloc (09022015). Collection method: clinical testing. Allele origin: germline.
Comment: This sequence change replaces threonine, which is neutral and polar, with isoleucine, which is neutral and non-polar, at codon 47 of the FGG protein (p.Thr47Ile). This variant is present in population databases (rs138511699, gnomAD 0.07%), and has an allele count higher than expected for a pathogenic variant. This missense change has been observed in individual(s) with clinical features consistent with a fibrinogen abnormality (PMID: 24556703, 30418131, 31064749). ClinVar contains an entry for this variant (Variation ID: 627235). Invitae Evidence Modeling of protein sequence and biophysical properties (such as structural, functional, and spatial information, amino acid conservation, physicochemical variation, residue mobility, and thermodynamic stability) indicates that this missense variant is expected to disrupt FGG protein function with a positive predictive value of 80%. Algorithms developed to predict the effect of sequence changes on RNA splicing suggest that this variant may create or strengthen a splice site. In summary, the available evidence is currently insufficient to determine the role of this variant in disease. Therefore, it has been classified as a Variant of Uncertain Significance.

Women's Health and Genetics/Laboratory Corporation of America, LabCorp
Classification: Uncertain significance. Last evaluated: 2025-08-25. Review status: criteria provided, single submitter. Criteria: LabCorp Variant Classification Summary - May 2015. Collection method: clinical testing. Allele origin: germline.
Comment: Variant summary: FGG c.140C>T (p.Thr47Ile) results in a non-conservative amino acid change located in the Fibrinogen, alpha/beta/gamma chain, coiled coil domain (IPR012290) of the encoded protein sequence. Algorithms developed to predict the effect of missense changes on protein structure and function all suggest that this variant is likely to be disruptive. The variant allele was found at a frequency of 0.00056 in 244160 control chromosomes (gnomAD). This frequency is not significantly higher than estimated for disease-causing variants in FGG, allowing no conclusion about variant significance. These data do not allow any conclusion about variant significance. To our knowledge, no experimental evidence demonstrating an impact on protein function has been reported. The following publications have been ascertained in the context of this evaluation (PMID: 30418131, 31064749, 24556703, 37647632, 23560673). ClinVar contains an entry for this variant (Variation ID: 627235). Based on the evidence outlined above, the variant was classified as uncertain significance.

PreventionGenetics, part of Exact Sciences
Classification: Uncertain significance for FGG-related condition. Last evaluated: 2025-07-09. Review status: criteria provided, single submitter. Criteria: ACMG Guidelines, 2015. Collection method: clinical testing. Allele origin: germline.
Comment: The FGG c.140C>T variant is predicted to result in the amino acid substitution p.Thr47Ile. This variant (aka p.Thr21Ile) has been reported in the heterozygous state in two individuals with decreased fibrinogen (Riedelová-Reicheltová et al. 2014. PubMed ID: 24556703). This variant has also been reported in an individual with unexplained bleeding (Suppl3_SNV+INDEL, Downes et al. 2019. PubMed ID: 31064749). This variant is reported in 0.076% of alleles in individuals of European (Non-Finnish) descent in gnomAD. At this time, the clinical significance of this variant is uncertain due to the absence of conclusive functional and genetic evidence.

Center for Genomic Medicine, Rigshospitalet, Copenhagen University Hospital
Classification: Likely pathogenic. Last evaluated: 2025-03-04. Review status: criteria provided, single submitter. Criteria: ACMG Guidelines, 2015. Collection method: clinical testing. Allele origin: germline.

CeGaT Center for Human Genetics Tuebingen
Classification: Likely benign. Last evaluated: 2023-08-01. Review status: criteria provided, single submitter. Criteria: CeGaT Center For Human Genetics Tuebingen Variant Classification Criteria Version 2. Collection method: clinical testing. Allele origin: germline. Affected: yes. Observed: 1 variant allele.
Comment: FGG: BS1:Supporting

Department of Pathology and Laboratory Medicine, Sinai Health System
Classification: Uncertain significance for Congenital afibrinogenemia. Last evaluated: 2021-07-30. Review status: criteria provided, single submitter. Criteria: ACMG Guidelines, 2015. Collection method: research. Allele origin: germline.

NIHR Bioresource Rare Diseases, University of Cambridge
Classification: Likely pathogenic for Abnormal bleeding. Last evaluated: 2019-02-01. Review status: criteria provided, single submitter. Criteria: ACMG Guidelines, 2015. Collection method: research. Allele origin: unknown. Affected: yes. Observed: 1 heterozygote. Study: ThromboGenomics.

Illumina Laboratory Services, Illumina
Classification: Uncertain significance for Congenital afibrinogenemia. Last evaluated: 2017-04-27. Review status: criteria provided, single submitter. Criteria: ICSL Variant Classification Criteria 13 December 2019. Collection method: clinical testing. Allele origin: germline.
Comment: This variant was observed as part of a predisposition screen in an ostensibly healthy population. A literature search was performed for the gene, cDNA change, and amino acid change (where applicable). Publications were found based on this search. However, the evidence from the literature, in combination with allele frequency data from public databases where available, was not sufficient to rule this variant in or out of causing disease. Therefore, this variant is classified as a variant of unknown significance.

Literature cited by the submitters: PubMed 24556703 (cited by 4 submitters); PubMed 30418131 (cited by 3 submitters); PubMed 31064749 (cited by 4 submitters); PubMed 23560673 (cited by Women's Health and Genetics/Laboratory Corporation of America, LabCorp and Illumina Laboratory Services, Illumina); PubMed 37647632 (cited by Women's Health and Genetics/Laboratory Corporation of America, LabCorp).